The following is an entry in ClinVar:

NM_025144.4(ALPK1):c.256G>A (p.Ala86Thr)

Gene: ALPK1 (alpha kinase 1; plus strand). Cytogenetic location: 4q25.
Variant type: single nucleotide variant.
Coding change: c.256G>A on transcript NM_025144.4 (MANE Select); coding-DNA position 256, G replaced by A.
Protein change: p.Ala86Thr; replaces alanine 86 with threonine.
Molecular consequence: missense variant. On other transcripts: intron variant (1).
Genome position (GRCh38, 1-based): chr4:112,382,532, G>A. VCF-style: chr4-112382532-G-A. GRCh37 (hg19) VCF-style: chr4-113303688-G-A.
Other names: c.256G>A, p.Ala86Thr (NM_001102406.2); c.42+4634G>A (NM_001253884.2); short protein forms A86T.
Identifiers: ClinVar variation 2353062 (VCV002353062.5), dbSNP rs773063913, ClinGen allele CA3046292.
Genomic context (GRCh38, chr4:112,382,532, plus strand): 5'-TGGCAGTACAAACAAGCCGTGGGCCCAGAGGACAAAACAAACCTGAAGGATGTGATTGGC[G>A]CCGGGTTGCAGCAGTTACTGGTAGGAAGAGCCACACCACCTGTTCCTCTGATATCCCCAA-3'
Protein context (NP_079420.3, residues 76-96): DKTNLKDVIG[Ala86Thr]GLQQLLASLR

ClinVar aggregate classification (germline): Uncertain significance. Review status: criteria provided, multiple submitters, no conflicts (2 of 4 stars). 2 submissions from 2 submitters: Uncertain significance (2). Last evaluated 2025-10-10.

Conditions:
Inborn genetic diseases. Identifiers: MedGen C0950123, MeSH D030342.

gnomAD v4.1: 23 of 1,614,002 alleles (0.0014%); highest among the groups gnomAD compares: Middle Eastern, 0.016%; no homozygotes.

Submissions (2):

Labcorp Genetics (formerly Invitae), Labcorp
Classification: Uncertain significance. Last evaluated: 2025-10-10. Review status: criteria provided, single submitter. Criteria: Invitae Variant Classification Sherloc (09022015). Collection method: clinical testing. Allele origin: germline.
Comment: This sequence change replaces alanine, which is neutral and non-polar, with threonine, which is neutral and polar, at codon 86 of the ALPK1 protein (p.Ala86Thr). This variant is present in population databases (rs773063913, gnomAD 0.006%). This variant has not been reported in the literature in individuals affected with ALPK1-related conditions. ClinVar contains an entry for this variant (Variation ID: 2353062). Invitae Evidence Modeling of protein sequence and biophysical properties (such as structural, functional, and spatial information, amino acid conservation, physicochemical variation, residue mobility, and thermodynamic stability) indicates that this missense variant is not expected to disrupt ALPK1 protein function with a negative predictive value of 80%. In summary, the available evidence is currently insufficient to determine the role of this variant in disease. Therefore, it has been classified as a Variant of Uncertain Significance.

Ambry Genetics
Classification: Uncertain significance for Inborn genetic diseases. Last evaluated: 2021-08-04. Review status: criteria provided, single submitter. Criteria: Ambry Variant Classification Scheme 2023. Collection method: clinical testing. Allele origin: germline.